The following is an entry in ClinVar:

NM_004247.4(EFTUD2):c.511C>T (p.Leu171Phe)

Gene: EFTUD2 (elongation factor Tu GTP binding domain containing 2; minus strand). Cytogenetic location: 17q21.31.
Variant type: single nucleotide variant.
Coding change: c.511C>T on transcript NM_004247.4 (MANE Select); coding-DNA position 511, C replaced by T.
Protein change: p.Leu171Phe; replaces leucine 171 with phenylalanine.
Molecular consequence: missense variant.
Genome position (GRCh38, 1-based): chr17:44,881,704, G>A on the plus strand (C>T on the coding strand, the complement: EFTUD2 is on the minus strand). VCF-style: chr17-44881704-G-A. GRCh37 (hg19) VCF-style: chr17-42959072-G-A.
Other names: c.406C>T, p.Leu136Phe (NM_001142605.2); c.511C>T, p.Leu171Phe (NM_001258353.2); c.481C>T, p.Leu161Phe (NM_001258354.2); short protein forms L161F, L171F, L136F.
Identifiers: ClinVar variation 4980521 (VCV004980521.1).
Genomic context (GRCh38, chr17:44,881,704, plus strand): 5'-GGTCTGGTGTAGGTGACAATCAGATTCCCCAAGGCATGCTTACCTCTTGCTCTGTGAAGA[G>A]GATGTCAGTATAGCACAGCTGAAAAAAAATTAACTGTTGTTACCACCTGAGTTGAGACTG-3'
Protein context (NP_004238.3, residues 161-181): YDQDLCYTDI[Leu171Phe]FTEQERGVGI

ClinVar aggregate classification (germline): Uncertain significance (1 of 4 stars; one submission).

Conditions:
EFTUD2-related disorder. Also called: EFTUD2-related condition.

gnomAD v4.1: 7 of 1,614,182 alleles (0.00043%); highest among the groups gnomAD compares: Non-Finnish European, 0.00059%; no homozygotes.

Submission:

PreventionGenetics, part of Exact Sciences
Classification: Uncertain significance for EFTUD2-related condition. Last evaluated: 2025-11-12. Review status: criteria provided, single submitter. Criteria: ACMG Guidelines, 2015. Collection method: clinical testing. Allele origin: germline.
Comment: The EFTUD2 c.511C>T variant is predicted to result in the amino acid substitution p.Leu171Phe. To our knowledge, this variant has not been reported in the literature. This variant is reported in 0.0018% of alleles in individuals of European (Non-Finnish) descent in gnomAD. At this time, the clinical significance of this variant is uncertain due to the absence of conclusive functional and genetic evidence.